The following is an entry in ClinVar:

ClinVar aggregate classification (germline): Pathogenic (1 of 4 stars; one submission).

Conditions:
Fabry disease. Also called: Fabry's disease; ALPHA-GALACTOSIDASE A DEFICIENCY; ANDERSON-FABRY DISEASE; CERAMIDE TRIHEXOSIDASE DEFICIENCY; GLA DEFICIENCY; HEREDITARY DYSTOPIC LIPIDOSIS. Identifiers: Orphanet 324, MedGen C0002986, MONDO:0010526, OMIM 301500, HP:0001071. Disease mechanism: Fabry disease is due to inactivating mutations in the X-linked GLA gene resulting in deficiency of the enzyme Alpha Galactosidase-A., loss of function.

Submission:

Genomenon, Inc
Classification: Pathogenic for Fabry disease. Last evaluated: 2025-09-15. Review status: criteria provided, single submitter. Criteria: Genomenon Sequence Variant Interpretation Standards. Collection method: curation. Allele origin: germline. Affected: yes.
Comment: GLA p.Leu120_Ala121delinsProThr (c.[359T>C;361G>A]) is a variant that substitutes two amino acids, Leucine at position 120 and Alanine at position 121, with a Proline and a Threonine. This variant has been observed in at least one proband affected with Fabry disease (PMID:7531540;39669636;26252393;26083343). At least one functional study has demonstrated a substantial alteration in protein function relative to the wild-type (PMID:27657681;21598360). It is absent or not present at a significant frequency in gnomAD. In conclusion, we classify GLA p.Leu120_Ala121delinsProThr (c.[359T>C;361G>A]) as a pathogenic variant.

Literature cited by the submitters: PubMed 21598360; PubMed 26083343; PubMed 26252393; PubMed 27657681; PubMed 39669636; PubMed 7531540.

NM_000169.3(GLA):c.[359T>C;361G>A]

Variant type: Haplotype.
Identifiers: ClinVar variation 4087236 (VCV004087236.1).